The following is an entry in ClinVar:

ClinVar aggregate classification (germline): Uncertain significance. Review status: criteria provided, multiple submitters, no conflicts (2 of 4 stars). 4 submissions from 4 submitters: Uncertain significance (4). Last evaluated 2024-12-02.

Conditions:
Age related macular degeneration 1 (ARMD1). Also called: MACULOPATHY, AGE-RELATED, 1. Identifiers: MedGen C1864205, MONDO:0011285, OMIM 603075.

Allele frequency attached by ClinVar (database versions not stated): ExAC 0.00001; gnomAD 0.00001; gnomAD exomes 0.00001; TOPMed 0.00001.
gnomAD v4.1: 14 of 1,613,480 alleles (0.00087%); highest among the groups gnomAD compares: Middle Eastern, 0.017%; no homozygotes.

Submissions (4):

Labcorp Genetics (formerly Invitae), Labcorp
Classification: Uncertain significance. Last evaluated: 2024-12-02. Review status: criteria provided, single submitter. Criteria: Invitae Variant Classification Sherloc (09022015). Collection method: clinical testing. Allele origin: germline.
Comment: This sequence change replaces valine, which is neutral and non-polar, with methionine, which is neutral and non-polar, at codon 4388 of the HMCN1 protein (p.Val4388Met). This variant is present in population databases (rs563362752, gnomAD 0.002%). This variant has not been reported in the literature in individuals affected with HMCN1-related conditions. ClinVar contains an entry for this variant (Variation ID: 875854). An algorithm developed to predict the effect of missense changes on protein structure and function outputs the following: PolyPhen-2: "Benign". The methionine amino acid residue is found in multiple mammalian species, which suggests that this missense change does not adversely affect protein function. In summary, the available evidence is currently insufficient to determine the role of this variant in disease. Therefore, it has been classified as a Variant of Uncertain Significance.

Genome-Nilou Lab
Classification: Uncertain significance for Age related macular degeneration 1. Last evaluated: 2023-04-11. Review status: criteria provided, single submitter. Criteria: ACMG Guidelines, 2015. Collection method: clinical testing. Allele origin: germline. Affected: no.

Ambry Genetics
Classification: Uncertain significance. Last evaluated: 2022-03-29. Review status: criteria provided, single submitter. Criteria: Ambry Variant Classification Scheme 2023. Collection method: clinical testing. Allele origin: germline.

Illumina Laboratory Services, Illumina
Classification: Uncertain significance for Age related macular degeneration 1. Last evaluated: 2018-01-13. Review status: criteria provided, single submitter. Criteria: ICSL Variant Classification Criteria 13 December 2019. Collection method: clinical testing. Allele origin: germline.

NM_031935.3(HMCN1):c.13162G>A (p.Val4388Met)

Gene: HMCN1 (hemicentin 1; plus strand). Cytogenetic location: 1q31.1.
Variant type: single nucleotide variant.
Coding change: c.13162G>A on transcript NM_031935.3 (MANE Select); coding-DNA position 13162, G replaced by A.
Protein change: p.Val4388Met; replaces valine 4388 with methionine.
Molecular consequence: missense variant.
Genome position (GRCh38, 1-based): chr1:186,130,629, G>A. VCF-style: chr1-186130629-G-A. GRCh37 (hg19) VCF-style: chr1-186099761-G-A.
Other names: short protein forms V4388M.
Identifiers: ClinVar variation 875854 (VCV000875854.10), dbSNP rs563362752, ClinGen allele CA1294558.